The following is an entry in ClinVar:

NM_000038.6(APC):c.1873del (p.Gln625fs)

Gene: APC (APC regulator of Wnt signaling pathway; plus strand). Cytogenetic location: 5q22.2.
Variant type: Deletion.
Coding change: c.1873del on transcript NM_000038.6 (MANE Select); coding-DNA position 1873, one base deleted (C; older notation c.1873delC).
Protein change: p.Gln625fs; shifts the reading frame from glutamine 625.
Molecular consequence: frameshift variant. On other transcripts: non-coding transcript variant (2).
Genome position (GRCh38, 1-based): chr5:112,835,080, C deleted; the last of 2 consecutive C bases (chr5:112,835,079-112,835,080); deleting either gives the same sequence. VCF-style (leftmost placement, unchanged base first): chr5-112835078-GC-G. GRCh37 (hg19) VCF-style: chr5-112170775-GC-G.
Other names: c.1873del, p.Gln625fs (NM_001127510.3, NM_001354895.2, NM_001407450.1); c.1819del, p.Gln607fs (NM_001127511.3); c.1927del, p.Gln643fs (NM_001354896.2, NM_001407447.1, NM_001407448.1 and 1 more transcripts); c.1903del, p.Gln635fs (NM_001354897.2); c.1798del, p.Gln600fs (NM_001354898.2); c.1789del, p.Gln597fs (NM_001354899.2); c.1750del, p.Gln584fs (NM_001354900.2); c.1696del, p.Gln566fs (NM_001354901.2, NM_001407453.1); and 11 more; short protein forms Q241fs, Q342fs, Q465fs, Q496fs, Q499fs, Q524fs, Q534fs, Q542fs.
Identifiers: ClinVar variation 2584086 (VCV002584086.2), dbSNP rs2533339314, ClinGen allele CA658760603.

ClinVar aggregate classification (germline): Pathogenic (1 of 4 stars; one submission).

Conditions:
Familial adenomatous polyposis 1 (FAP1). Also called: FAMILIAL ADENOMATOUS POLYPOSIS 1, ATTENUATED; POLYPOSIS, ADENOMATOUS INTESTINAL. Identifiers: MedGen C2713442, MONDO:0021056, OMIM 175100. Disease mechanism: loss of function.

Submission:

Myriad Genetics, Inc.
Classification: Pathogenic for Familial adenomatous polyposis 1. Last evaluated: 2023-05-03. Review status: criteria provided, single submitter. Criteria: Myriad Autosomal Dominant, Autosomal Recessive and X-Linked Classification Criteria (2023). Collection method: clinical testing. Allele origin: unknown.
Comment: This variant is considered pathogenic. This variant creates a frameshift predicted to result in premature protein truncation.